The following is an entry in ClinVar:

NM_001458.5(FLNC):c.2292C>T (p.Pro764=)

Gene: FLNC (filamin C; plus strand). Cytogenetic location: 7q32.1.
Variant type: single nucleotide variant.
Coding change: c.2292C>T on transcript NM_001458.5 (MANE Select); coding-DNA position 2292, C replaced by T.
Protein change: p.Pro764=; no amino-acid change (proline 764 retained).
Molecular consequence: synonymous variant.
Genome position (GRCh38, 1-based): chr7:128,842,601, C>T. VCF-style: chr7-128842601-C-T. GRCh37 (hg19) VCF-style: chr7-128482655-C-T.
Other names: c.2292C>T, p.Pro764= (NM_001127487.2).
Identifiers: ClinVar variation 258134 (VCV000258134.30), dbSNP rs369916201, ClinGen allele CA4474680.

ClinVar aggregate classification (germline): Likely benign. Review status: criteria provided, multiple submitters, no conflicts (2 of 4 stars). 8 submissions from 8 submitters: Likely benign (6). 2 of the submissions do not count toward it. Last evaluated 2025-10-01.

Conditions:
Hypertrophic cardiomyopathy 26. Also called: Cardiomyopathy, familial hypertrophic, 26. Identifiers: Orphanet 75249, MedGen C4310749, MONDO:0014883, OMIM 617047.
Distal myopathy with posterior leg and anterior hand involvement. Also called: WILLIAMS DISTAL MYOPATHY. Identifiers: Orphanet 63273, MedGen C3279722, MONDO:0013550, OMIM 614065.
Myofibrillar myopathy 5. Also called: Filaminopathy (type); FILAMINOPATHY, AUTOSOMAL DOMINANT. Identifiers: Orphanet 171445, MedGen C1836050, MONDO:0012289, OMIM 609524.
Cardiovascular phenotype. Identifiers: MedGen CN230736.

Allele frequency attached by ClinVar (database versions not stated): gnomAD exomes 0.00005 and 0.00009; ESP Exome Variant Server 0.00009; TOPMed 0.00003; ExAC 0.00005.
gnomAD v4.1: 78 of 1,549,600 alleles (0.005%); highest among the groups gnomAD compares: Middle Eastern, 0.1%; no homozygotes.

Submissions (8):

CeGaT Center for Human Genetics Tuebingen
Classification: Likely benign. Last evaluated: 2025-10-01. Review status: criteria provided, single submitter. Criteria: CeGaT Center For Human Genetics Tuebingen Variant Classification Criteria Version 2. Collection method: clinical testing. Allele origin: germline. Affected: yes. Observed: 3 variant alleles.
Comment: FLNC: BP4, BP7

Labcorp Genetics (formerly Invitae), Labcorp
Classification: Likely benign for Distal myopathy with posterior leg and anterior hand involvement; Myofibrillar myopathy 5; Hypertrophic cardiomyopathy 26. Last evaluated: 2025-08-19. Review status: criteria provided, single submitter. Criteria: Invitae Variant Classification Sherloc (09022015). Collection method: clinical testing. Allele origin: germline.

Blueprint Genetics
Classification: Likely benign. Last evaluated: 2024-02-09. Review status: criteria provided, single submitter. Criteria: ACMG Guidelines, 2015. Collection method: clinical testing. Allele origin: germline.

Ambry Genetics
Classification: Likely benign for Cardiovascular phenotype. Last evaluated: 2021-04-07. Review status: criteria provided, single submitter. Criteria: Ambry Variant Classification Scheme 2023. Collection method: clinical testing. Allele origin: germline.

Breakthrough Genomics
Classification: Likely benign. Review status: criteria provided, single submitter. Criteria: ACMG Guidelines, 2015. Collection method: not provided. Allele origin: germline. Inheritance: Autosomal dominant inheritance. Affected: yes.

PreventionGenetics, part of Exact Sciences
Classification: Likely benign. Review status: criteria provided, single submitter. Criteria: ACMG Guidelines, 2015. Collection method: clinical testing. Allele origin: germline.

Clinical Genetics, Academic Medical Center
Classification: Benign. Review status: no assertion criteria provided. Collection method: clinical testing. Allele origin: germline. Affected: yes. Study: VKGL Data-share Consensus. Not counted in ClinVar's aggregate classification.

Genome Diagnostics Laboratory, University Medical Center Utrecht
Classification: Likely benign. Review status: no assertion criteria provided. Collection method: clinical testing. Allele origin: germline. Affected: yes. Study: VKGL Data-share Consensus. Not counted in ClinVar's aggregate classification.